The following is an entry in ClinVar:

NM_052947.4(ALPK2):c.331C>G (p.Pro111Ala)

Gene: ALPK2 (alpha kinase 2; minus strand). Cytogenetic location: 18q21.31.
Variant type: single nucleotide variant.
Coding change: c.331C>G on transcript NM_052947.4 (MANE Select); coding-DNA position 331, C replaced by G.
Protein change: p.Pro111Ala; replaces proline 111 with alanine.
Molecular consequence: missense variant.
Genome position (GRCh38, 1-based): chr18:58,580,445, G>C on the plus strand (C>G on the coding strand, the complement: ALPK2 is on the minus strand). VCF-style: chr18-58580445-G-C. GRCh37 (hg19) VCF-style: chr18-56247677-G-C.
Other names: short protein forms P111A.
Identifiers: ClinVar variation 3531180 (VCV003531180.1).
Genomic context (GRCh38, chr18:58,580,445, plus strand): 5'-TCCCTGTTTCATGTTTCCAACCCCTGTCCCTGTCATCTTCCAGGTTAGGAGACAATTGTG[G>C]GTTCTCTGATGAGCACTCAACCTCAACGGAAGCAGAACAACAGATCATTCCAAAAGAGTT-3'
Protein context (NP_443179.3, residues 101-121): SVEVECSSEN[Pro111Ala]QLSPNLEDDR

ClinVar aggregate classification (germline): Uncertain significance (1 of 4 stars; one submission).

gnomAD v4.1: 3 of 1,614,082 alleles (0.00019%); highest among the groups gnomAD compares: South Asian, 0.0033%; no homozygotes.

Submission:

Ambry Genetics
Classification: Uncertain significance. Last evaluated: 2024-08-14. Review status: criteria provided, single submitter. Criteria: Ambry Variant Classification Scheme 2023. Collection method: clinical testing. Allele origin: germline.
Comment: The p.P111A variant (also known as c.331C>G), located in coding exon 3 of the ALPK2 gene, results from a C to G substitution at nucleotide position 331. The proline at codon 111 is replaced by alanine, an amino acid with highly similar properties. This amino acid position is conserved. In addition, this alteration is predicted to be tolerated by in silico analysis. Based on the available evidence, the clinical significance of this variant remains unclear.